The following is an entry in ClinVar:

ClinVar aggregate classification (germline): Conflicting classifications of pathogenicity. Review status: criteria provided, conflicting classifications (1 of 4 stars). 6 submissions from 6 submitters: Uncertain significance (4); Benign (1); Likely benign (1). Last evaluated 2025-10-12.

Conditions:
Elliptocytosis 3 (EL3). Identifiers: MedGen C1866810, MONDO:0054780, OMIM 617948.
Hereditary spherocytosis type 2. Also called: SPHEROCYTOSIS, TYPE 2, AUTOSOMAL DOMINANT. Identifiers: Orphanet 822, MedGen C2674219, MONDO:0000913, OMIM 616649.

Allele frequency attached by ClinVar (database versions not stated): 1000 Genomes Project 30x 0.00031; 1000 Genomes Project 0.00040; ExAC 0.00057; gnomAD 0.00067 and 0.00068; gnomAD exomes 0.00068; ESP Exome Variant Server 0.00069; TOPMed 0.00070.
gnomAD v4.1: 785 of 1,613,460 alleles (0.049%); highest among the groups gnomAD compares: Middle Eastern, 0.51%; 1 homozygote.

Submissions (6):

Labcorp Genetics (formerly Invitae), Labcorp
Classification: Benign. Last evaluated: 2025-10-12. Review status: criteria provided, single submitter. Criteria: Invitae Variant Classification Sherloc (09022015). Collection method: clinical testing. Allele origin: germline.

Mayo Clinic Laboratories, Mayo Clinic
Classification: Uncertain significance. Last evaluated: 2025-03-20. Review status: criteria provided, single submitter. Criteria: ACMG Guidelines, 2015. Collection method: clinical testing. Allele origin: germline. Observed: 4 variant alleles.

Blueprint Genetics
Classification: Likely benign. Last evaluated: 2024-11-22. Review status: criteria provided, single submitter. Criteria: ACMG Guidelines, 2015. Collection method: clinical testing. Allele origin: germline.

ARUP Laboratories, Molecular Genetics and Genomics, ARUP Laboratories
Classification: Uncertain significance. Last evaluated: 2024-08-08. Review status: criteria provided, single submitter. Criteria: ARUP Molecular Germline Variant Investigation Process 2024. Collection method: clinical testing. Allele origin: germline.
Comment: The SPTB c.1606G>A, p.Asp536Asn variant (rs145675502), is reported in the literature in at least three individuals affected with anemia or elliptocytosis (Andolfo 2021, Russo 2018). This variant is also reported in ClinVar (Variation ID: 313761). This variant is found in the general population with an overall allele frequency of 0.07% (183/280,110 alleles) in the Genome Aggregation Database. Computational analyses are uncertain whether this variant is neutral or deleterious (REVEL: 0.28). While the high population frequency suggests that this is likely a benign variant, given the lack of clinical and functional data, the significance of this variant is uncertain at this time. References: Andolfo I et al. Complex Modes of Inheritance in Hereditary Red Blood Cell Disorders: A Case Series Study of 155 Patients. Genes (Basel). 2021 Jun 23. PMID: 34201899 Russo R et al. Multi-gene panel testing improves diagnosis and management of patients with hereditary anemias. Am J Hematol. 2018 May. PMID: 29396846

Department of Pathology and Laboratory Medicine, Sinai Health System
Classification: Uncertain significance for Hereditary spherocytosis type 2. Last evaluated: 2023-03-13. Review status: criteria provided, single submitter. Criteria: ACMG Guidelines, 2015. Collection method: research. Allele origin: germline.

Baylor Genetics
Classification: Uncertain significance for Elliptocytosis 3. Last evaluated: 2019-09-26. Review status: criteria provided, single submitter. Criteria: ACMG Guidelines, 2015. Collection method: clinical testing. Allele origin: unknown. Affected: yes.
Comment: This variant was determined to be of uncertain significance according to ACMG Guidelines, 2015 [PMID:25741868].

Literature cited by the submitters: PubMed 29396846 (cited by Mayo Clinic Laboratories, Mayo Clinic); PubMed 34201899 (cited by Mayo Clinic Laboratories, Mayo Clinic).

NM_001355436.2(SPTB):c.1606G>A (p.Asp536Asn)

Gene: SPTB (spectrin beta, erythrocytic; minus strand). Cytogenetic location: 14q23.3.
Variant type: single nucleotide variant.
Coding change: c.1606G>A on transcript NM_001355436.2 (MANE Select); coding-DNA position 1606, G replaced by A.
Protein change: p.Asp536Asn; replaces aspartic acid 536 with asparagine.
Molecular consequence: missense variant.
Genome position (GRCh38, 1-based): chr14:64,795,375, C>T on the plus strand (G>A on the coding strand, the complement: SPTB is on the minus strand). VCF-style: chr14-64795375-C-T. GRCh37 (hg19) VCF-style: chr14-65262093-C-T.
Other names: NM_000347.5:c.1606G>A; p.Asp536Asn; c.1606G>A, p.Asp536Asn (NM_001024858.4, NM_001355437.2); c.1606G>A (NM_001355436.1); short protein forms D536N.
Identifiers: ClinVar variation 313761 (VCV000313761.28), dbSNP rs145675502, ClinGen allele CA7231074.
Genomic context (GRCh38, chr14:64,795,375, plus strand): 5'-GGGGGCGGCCCCCAGGGCCCACCTTGATCTCATCCATCCAGTCGATGCTGTGCAGCATGT[C>T]CTGGAAGAGCTTCTGCAGTGCCAGGGTGGTCTCGAGCCTCTGGCGCCGGGACTGCAGCAG-3'
Protein context (NP_001342365.1, residues 526-546): TTLALQKLFQ[Asp536Asn]MLHSIDWMDE